The following is an entry in ClinVar:

NM_004667.6(HERC2):c.8399G>A (p.Arg2800His)

Gene: HERC2 (HECT and RLD domain containing E3 ubiquitin protein ligase 2; minus strand). Cytogenetic location: 15q13.1.
Variant type: single nucleotide variant.
Coding change: c.8399G>A on transcript NM_004667.6 (MANE Select); coding-DNA position 8399, G replaced by A.
Protein change: p.Arg2800His; replaces arginine 2800 with histidine.
Molecular consequence: missense variant.
Genome position (GRCh38, 1-based): chr15:28,192,013, C>T on the plus strand (G>A on the coding strand, the complement: HERC2 is on the minus strand). VCF-style: chr15-28192013-C-T. GRCh37 (hg19) VCF-style: chr15-28437159-C-T.
Other names: short protein forms R2800H.
Identifiers: ClinVar variation 452637 (VCV000452637.5), dbSNP rs368463146, ClinGen allele CA7441490.

ClinVar aggregate classification (germline): Uncertain significance. Review status: criteria provided, multiple submitters, no conflicts (2 of 4 stars). 2 submissions from 2 submitters: Uncertain significance (2). Last evaluated 2024-12-06.

Conditions:
Prader-Willi syndrome (PWS). Identifiers: Orphanet 739, MedGen C0032897, MONDO:0008300, OMIM 176270. Disease mechanism: Microdeletion, loss of function. Inheritance: Microdletion.
SKIN/HAIR/EYE PIGMENTATION 1, BLUE/NONBLUE EYES (SHEP1). Also called: SKIN/HAIR/EYE PIGMENTATION 1, BLOND/BROWN HAIR; SKIN/HAIR/EYE PIGMENTATION 1, BLUE/BROWN EYES; EYE COLOR 3; EYE COLOR, BLUE/NONBLUE; EYE COLOR, BROWN/BLUE; HAIR COLOR 3. Identifiers: MedGen C1856895, OMIM 227220.
Developmental delay with autism spectrum disorder and gait instability (MRT38). Also called: Intellectual developmental disorder, autosomal recessive 38. Identifiers: Orphanet 329195, MedGen C3809753, MONDO:0014224, OMIM 615516.

Allele frequency attached by ClinVar (database versions not stated): ExAC 0.00001; gnomAD exomes 0.00001; TOPMed 0.00001; gnomAD 0.00005; ESP Exome Variant Server 0.00008.

Submissions (2):

GeneDx
Classification: Uncertain significance. Last evaluated: 2024-12-06. Review status: criteria provided, single submitter. Criteria: GeneDx Variant Classification Process June 2021. Collection method: clinical testing. Allele origin: germline. Affected: yes.
Comment: Has not been previously published as pathogenic or benign to our knowledge; In silico analysis indicates that this missense variant does not alter protein structure/function

Fulgent Genetics
Classification: Uncertain significance for Prader-Willi syndrome; SKIN/HAIR/EYE PIGMENTATION 1, BLUE/NONBLUE EYES; Developmental delay with autism spectrum disorder and gait instability. Last evaluated: 2021-10-01. Review status: criteria provided, single submitter. Criteria: ACMG Guidelines, 2015. Collection method: clinical testing. Allele origin: unknown.